The following is an entry in ClinVar:

NM_001312909.2(FAM111A):c.1035AGT[1] (p.Val347del)

Genes: FAM111A (FAM111 trypsin like peptidase A; plus strand), LOC130005740 (ATAC-STARR-seq lymphoblastoid active region 4748; plus strand). Cytogenetic location: 11q12.1.
Variant type: Microsatellite.
Coding change: c.1035AGT[1] on transcript NM_001312909.2 (MANE Select); one copy of the 3-base unit AGT starting at c.1035; the reference has two copies in a row; one copy, 3 bases deleted.
Protein change: p.Val347del; deletes valine 347.
Molecular consequence: inframe deletion.
Genome position (GRCh38, 1-based): chr11:59,152,706-59,152,708, AGT deleted; deleting any 3 consecutive bases within chr11:59,152,703-59,152,708 gives the same sequence; the position shown is the placement nearest the transcript's 3' end. VCF-style (leftmost placement, unchanged base first): chr11-59152702-AAGT-A. GRCh37 (hg19) VCF-style: chr11-58920175-AAGT-A.
Other names: c.1035AGT[1], p.Val347del (NM_001374848.1, NM_001374849.1, NM_001374850.1 and 29 more transcripts); short protein forms V347del.
Identifiers: ClinVar variation 720474 (VCV000720474.14), dbSNP rs746377723, ClinGen allele CA6016693.

ClinVar aggregate classification (germline): Likely benign. Review status: criteria provided, multiple submitters, no conflicts (2 of 4 stars). 3 submissions from 3 submitters: Likely benign (3). Last evaluated 2026-03-01.

Submissions (3):

CeGaT Center for Human Genetics Tuebingen
Classification: Likely benign. Last evaluated: 2026-03-01. Review status: criteria provided, single submitter. Criteria: CeGaT Center For Human Genetics Tuebingen Variant Classification Criteria Version 2. Collection method: clinical testing. Allele origin: germline. Affected: yes. Observed: 1 variant allele.
Comment: FAM111A: PM4:Supporting, BS2

Labcorp Genetics (formerly Invitae), Labcorp
Classification: Likely benign. Last evaluated: 2026-01-08. Review status: criteria provided, single submitter. Criteria: Invitae Variant Classification Sherloc (09022015). Collection method: clinical testing. Allele origin: germline.

Blueprint Genetics
Classification: Likely benign. Last evaluated: 2024-11-06. Review status: criteria provided, single submitter. Criteria: ACMG Guidelines, 2015. Collection method: clinical testing. Allele origin: germline.